The following is an entry in ClinVar:

NM_000245.4(MET):c.1483A>C (p.Thr495Pro)

Gene: MET (MET proto-oncogene, receptor tyrosine kinase; plus strand). Cytogenetic location: 7q31.2.
Variant type: single nucleotide variant.
Coding change: c.1483A>C on transcript NM_000245.4 (MANE Select); coding-DNA position 1483, A replaced by C.
Protein change: p.Thr495Pro; replaces threonine 495 with proline.
Molecular consequence: missense variant.
Genome position (GRCh38, 1-based): chr7:116,740,040, A>C. VCF-style: chr7-116740040-A-C. GRCh37 (hg19) VCF-style: chr7-116380094-A-C.
Other names: c.1483A>C, p.Thr495Pro (NM_001127500.3, NM_001324401.3); c.193A>C, p.Thr65Pro (NM_001324402.2); short protein forms T495P, T65P.
Identifiers: ClinVar variation 1021217 (VCV001021217.11), dbSNP rs1793383674, ClinGen allele CA368974200.
Genomic context (GRCh38, chr7:116,740,040, plus strand): 5'-CCTCATGTGAATTTTCTCCTGGACTCCCATCCAGTGTCTCCAGAAGTGATTGTGGAGCAT[A>C]CATTAAACCAAAATGGCTACACACTGGTTATCACTGGGAAGAAGGTAAGCTGTTCCCACA-3'
Protein context (NP_000236.2, residues 485-505): PVSPEVIVEH[Thr495Pro]LNQNGYTLVI

ClinVar aggregate classification (germline): Conflicting classifications of pathogenicity. Review status: criteria provided, conflicting classifications (1 of 4 stars). 2 submissions from 2 submitters: Uncertain significance (1); Likely benign (1). Last evaluated 2026-01-06.

Conditions:
Renal cell carcinoma. Identifiers: Orphanet 217071, MedGen C0007134, MeSH D002292, MONDO:0005086, HP:0005584.
Hereditary cancer-predisposing syndrome. Also called: Hereditary Cancer Syndrome; Neoplastic Syndromes, Hereditary; Tumor predisposition; Hereditary neoplastic syndrome. Identifiers: Orphanet 140162, MedGen C0027672, MeSH D009386, MONDO:0015356.

Allele frequency attached by ClinVar (database versions not stated): TOPMed below 0.00001.
gnomAD v4.1: 3 of 1,614,144 alleles (0.00019%); highest among the groups gnomAD compares: Admixed American, 0.0017%; no homozygotes.

Submissions (2):

Labcorp Genetics (formerly Invitae), Labcorp
Classification: Uncertain significance for Renal cell carcinoma. Last evaluated: 2026-01-06. Review status: criteria provided, single submitter. Criteria: Invitae Variant Classification Sherloc (09022015). Collection method: clinical testing. Allele origin: germline.
Comment: This sequence change replaces threonine, which is neutral and polar, with proline, which is neutral and non-polar, at codon 495 of the MET protein (p.Thr495Pro). This variant is not present in population databases (gnomAD no frequency). This variant has not been reported in the literature in individuals affected with MET-related conditions. ClinVar contains an entry for this variant (Variation ID: 1021217). An algorithm developed to predict the effect of missense changes on protein structure and function outputs the following: PolyPhen-2: "Benign". The proline amino acid residue is found in multiple mammalian species, which suggests that this missense change does not adversely affect protein function. In summary, the available evidence is currently insufficient to determine the role of this variant in disease. Therefore, it has been classified as a Variant of Uncertain Significance.

Ambry Genetics
Classification: Likely benign for Hereditary cancer-predisposing syndrome. Last evaluated: 2020-06-17. Review status: criteria provided, single submitter. Criteria: Ambry Variant Classification Scheme 2023. Collection method: clinical testing. Allele origin: germline.